The following is an entry in ClinVar:

ClinVar aggregate classification (germline): Uncertain significance. Review status: criteria provided, multiple submitters, no conflicts (2 of 4 stars). 4 submissions from 4 submitters: Uncertain significance (4). Last evaluated 2026-05-30.

Conditions:
ATP2B2-related disorder. Also called: ATP2B2-related condition.

Allele frequency attached by ClinVar (database versions not stated): TOPMed 0.00001; ExAC 0.00002; gnomAD exomes 0.00002 and 0.00003; gnomAD 0.00003.
gnomAD v4.1: 49 of 1,614,118 alleles (0.003%); highest among the groups gnomAD compares: Non-Finnish European, 0.0041%; no homozygotes.

Submissions (4):

PreventionGenetics, part of Exact Sciences
Classification: Uncertain significance for ATP2B2-related condition. Last evaluated: 2026-05-30. Review status: criteria provided, single submitter. Criteria: ACMG Guidelines, 2015. Collection method: clinical testing. Allele origin: germline.
Comment: The ATP2B2 c.2524G>A variant is predicted to result in the amino acid substitution p.Val842Met. To our knowledge, this variant has not been reported in the literature. This variant is reported in 0.0054% of alleles in individuals of European (Non-Finnish) descent in gnomAD. At this time, the clinical significance of this variant is uncertain due to the absence of conclusive functional and genetic evidence.

Labcorp Genetics (formerly Invitae), Labcorp
Classification: Uncertain significance. Last evaluated: 2025-06-10. Review status: criteria provided, single submitter. Criteria: Invitae Variant Classification Sherloc (09022015). Collection method: clinical testing. Allele origin: germline.
Comment: This sequence change replaces valine, which is neutral and non-polar, with methionine, which is neutral and non-polar, at codon 842 of the ATP2B2 protein (p.Val842Met). This variant is present in population databases (rs762583223, gnomAD 0.006%). This variant has not been reported in the literature in individuals affected with ATP2B2-related conditions. ClinVar contains an entry for this variant (Variation ID: 1472693). Invitae Evidence Modeling of protein sequence and biophysical properties (such as structural, functional, and spatial information, amino acid conservation, physicochemical variation, residue mobility, and thermodynamic stability) indicates that this missense variant is not expected to disrupt ATP2B2 protein function with a negative predictive value of 80%. In summary, the available evidence is currently insufficient to determine the role of this variant in disease. Therefore, it has been classified as a Variant of Uncertain Significance.

Ambry Genetics
Classification: Uncertain significance. Last evaluated: 2024-07-02. Review status: criteria provided, single submitter. Criteria: Ambry Variant Classification Scheme 2023. Collection method: clinical testing. Allele origin: germline.

CeGaT Center for Human Genetics Tuebingen
Classification: Uncertain significance. Last evaluated: 2023-04-01. Review status: criteria provided, single submitter. Criteria: CeGaT Center For Human Genetics Tuebingen Variant Classification Criteria Version 2. Collection method: clinical testing. Allele origin: germline. Affected: yes. Observed: 1 variant allele.
Comment: ATP2B2: PP2, PP3

NM_001001331.4(ATP2B2):c.2659G>A (p.Val887Met)

Gene: ATP2B2 (ATPase plasma membrane Ca2+ transporting 2; minus strand). Cytogenetic location: 3p25.3.
Variant type: single nucleotide variant.
Coding change: c.2659G>A on transcript NM_001001331.4 (MANE Select); coding-DNA position 2659, G replaced by A.
Protein change: p.Val887Met; replaces valine 887 with methionine.
Molecular consequence: missense variant.
Genome position (GRCh38, 1-based): chr3:10,345,428, C>T on the plus strand (G>A on the coding strand, the complement: ATP2B2 is on the minus strand). VCF-style: chr3-10345428-C-T. GRCh37 (hg19) VCF-style: chr3-10387112-C-T.
Other names: c.2524G>A, p.Val842Met (NM_001330611.3, NM_001353564.1, NM_001363862.1 and 1 more transcripts); c.2524G>A (NM_001683.3); short protein forms V842M, V887M.
Identifiers: ClinVar variation 1472693 (VCV001472693.36), dbSNP rs762583223, ClinGen allele CA2253323.
Genomic context (GRCh38, chr3:10,345,428, plus strand): 5'-TCTCCTGCGGACCCACCTGCGTGATGCAGGCGCCTGTGAAGGCCACAATCACGGCCACCA[C>T]GTTGACGGTGAGCTGGAACTGCAAGAATTTGGAGATGCTGTCATAGACGTTGCGGCCCCA-3'
Protein context (NP_001001331.1, residues 877-897): KFLQFQLTVN[Val887Met]VAVIVAFTGA